The following is an entry in ClinVar:

NM_001048174.2(MUTYH):c.883C>G (p.Leu295Val)

Gene: MUTYH (mutY DNA glycosylase; minus strand). Cytogenetic location: 1p34.1.
Variant type: single nucleotide variant.
Coding change: c.883C>G on transcript NM_001048174.2 (MANE Select); coding-DNA position 883, C replaced by G.
Protein change: p.Leu295Val; replaces leucine 295 with valine.
Molecular consequence: missense variant. On other transcripts: non-coding transcript variant (7).
Genome position (GRCh38, 1-based): chr1:45,332,053, G>C on the plus strand (C>G on the coding strand, the complement: MUTYH is on the minus strand). VCF-style: chr1-45332053-G-C. GRCh37 (hg19) VCF-style: chr1-45797725-G-C.
Other names: c.883C>G, p.Leu295Val (NM_001048171.2, NM_001048173.2, NM_001407070.1 and 6 more transcripts); c.886C>G, p.Leu296Val (NM_001048172.2, NM_001407071.1, NM_001407078.1 and 1 more transcripts); c.799C>G, p.Leu267Val (NM_001407075.1); c.916C>G, p.Leu306Val (NM_001407077.1, NM_001293191.2, NM_001407069.1); c.844C>G, p.Leu282Val (NM_001407079.1); c.841C>G, p.Leu281Val (NM_001407080.1); c.904C>G, p.Leu302Val (NM_001407087.1); c.607C>G, p.Leu203Val (NM_001407091.1, NM_001293192.2, NM_001293196.2); and 5 more; short protein forms L302V, L320V, L180V, L267V, L281V, L282V, L306V, L310V.
Identifiers: ClinVar variation 4113964 (VCV004113964.1).
Genomic context (GRCh38, chr1:45,332,053, plus strand): 5'-GTTGGGGTGGGGGCTAGGTTTGGTGCTCACCACACTCCTCCACGTCAGGACTGCCCGACA[G>C]GCTCCCTGAGGCTAAGAGCTGTTCCTGCTCCACCTGAGAGGCACAGGGTTGAGTGTCATA-3'
Protein context (NP_001041639.1, residues 285-305): EQEQLLASGS[Leu295Val]SGSPDVEECA

ClinVar aggregate classification (germline): Uncertain significance (1 of 4 stars; one submission).

Conditions:
Hereditary cancer-predisposing syndrome. Also called: Hereditary neoplastic syndrome; Neoplastic Syndromes, Hereditary; Tumor predisposition; Hereditary Cancer Syndrome. Identifiers: Orphanet 140162, MedGen C0027672, MeSH D009386, MONDO:0015356.

Submission:

Ambry Genetics
Classification: Uncertain significance for Hereditary cancer-predisposing syndrome. Last evaluated: 2025-08-27. Review status: criteria provided, single submitter. Criteria: Ambry Variant Classification Scheme 2023. Collection method: clinical testing. Allele origin: germline.
Comment: The p.L323V variant (also known as c.967C>G), located in coding exon 11 of the MUTYH gene, results from a C to G substitution at nucleotide position 967. The leucine at codon 323 is replaced by valine, an amino acid with highly similar properties. This amino acid position is conserved. In addition, this alteration is predicted to be tolerated by in silico analysis. Based on the available evidence, the clinical significance of this variant remains unclear.